The following is an entry in ClinVar:

NM_207122.2(EXT2):c.*802A>G

Gene: EXT2 (exostosin glycosyltransferase 2; plus strand). Cytogenetic location: 11p11.2.
Variant type: single nucleotide variant.
Coding change: c.*802A>G on transcript NM_207122.2 (MANE Select); 802 bases downstream of the stop codon, A replaced by G.
Molecular consequence: 3 prime UTR variant.
Genome position (GRCh38, 1-based): chr11:44,245,089, A>G. VCF-style: chr11-44245089-A-G. GRCh37 (hg19) VCF-style: chr11-44266639-A-G.
Other names: c.*802A>G (NM_000401.3, NM_001178083.3, NM_001389628.1 and 1 more transcripts).
Identifiers: ClinVar variation 304606 (VCV000304606.5), dbSNP rs531942530, ClinGen allele CA10639080.

ClinVar aggregate classification (germline): Benign (1 of 4 stars; one submission).

Conditions:
Exostoses, multiple, type 2 (EXT2). Also called: Hereditary Multiple Osteochondromatosis, Type II; EXOSTOSES, MULTIPLE, TYPE II. Identifiers: Orphanet 321, MedGen C1851413, MONDO:0007586, OMIM 133701.

Allele frequency attached by ClinVar (database versions not stated): gnomAD below 0.00001 and 0.00019; TOPMed 0.00006; gnomAD exomes 0.00008; 1000 Genomes Project 0.00160; 1000 Genomes Project 30x 0.00172.
gnomAD v4.1: 35 of 231,144 alleles (0.015%); highest among the groups gnomAD compares: South Asian, 0.64%; no homozygotes.

Submission:

Illumina Laboratory Services, Illumina
Classification: Benign for Exostoses, multiple, type 2. Last evaluated: 2018-01-12. Review status: criteria provided, single submitter. Criteria: ICSL Variant Classification Criteria 13 December 2019. Collection method: clinical testing. Allele origin: germline.
Comment: This variant was observed in the ICSL laboratory as part of a predisposition screen in an ostensibly healthy population. It had not been previously curated by ICSL or reported in the Human Gene Mutation Database (HGMD: prior to June 1st, 2018), and was therefore a candidate for classification through an automated scoring system. Utilizing variant allele frequency, disease prevalence and penetrance estimates, and inheritance mode, an automated score was calculated to assess if this variant is too frequent to cause the disease. Based on the score and internal cut-off values, a variant classified as benign is not then subjected to further curation. The score for this variant resulted in a classification of benign for this disease.